The following is an entry in ClinVar:

ClinVar aggregate classification (germline): Conflicting classifications of pathogenicity. Review status: criteria provided, conflicting classifications (1 of 4 stars). 5 submissions from 5 submitters: Likely pathogenic (1); Uncertain significance (2); Likely benign (1). 1 of the submissions does not count toward it. Last evaluated 2025-12-20.

Conditions:
CACNA1C-related disorder. Also called: CACNA1C-related disorders; CACNA1C-related condition. Identifiers: MedGen CN381092, MONDO:0700321.
Brugada syndrome 3 (BRGDA3). Identifiers: Orphanet 130, MedGen C2678478, MONDO:0012742, OMIM 611875.
Long QT syndrome 8. Identifiers: MedGen CN260585, MONDO:0032756, OMIM 618447.
Timothy syndrome (TS). Also called: LONG QT SYNDROME WITH SYNDACTYLY. Identifiers: Orphanet 65283, MedGen C1832916, MeSH C536962, MONDO:0010979, OMIM 601005.
Cardiovascular phenotype. Identifiers: MedGen CN230736.
Long QT syndrome (LQTS). Identifiers: MedGen C0023976, MeSH D008133, MONDO:0002442. Disease mechanism: loss of function. Inheritance: Various modes of inheritance.

Submissions (5):

Labcorp Genetics (formerly Invitae), Labcorp
Classification: Uncertain significance for Long QT syndrome. Last evaluated: 2025-12-20. Review status: criteria provided, single submitter. Criteria: Invitae Variant Classification Sherloc (09022015). Collection method: clinical testing. Allele origin: germline.
Comment: This sequence change creates a premature translational stop signal (p.Thr6Glufs*35) in the CACNA1C gene. It is expected to result in an absent or disrupted protein product. However, the current clinical and genetic evidence is not sufficient to establish whether loss-of-function variants in CACNA1C cause disease. This variant is present in population databases (rs786205782, gnomAD 0.003%). This premature translational stop signal has been observed in individual(s) with atrial fibrillation (PMID: 34495297). ClinVar contains an entry for this variant (Variation ID: 190711). In summary, the available evidence is currently insufficient to determine the role of this variant in disease. Therefore, it has been classified as a Variant of Uncertain Significance.

GeneDx
Classification: Likely pathogenic. Last evaluated: 2025-05-13. Review status: criteria provided, single submitter. Criteria: GeneDx Variant Classification Process June 2021. Collection method: clinical testing. Allele origin: germline. Affected: yes.
Comment: Identified in an individual from a cohort with early onset atrial fibrillation in published literature (PMID: 34495297); Frameshift variant predicted to result in protein truncation or nonsense mediated decay in a gene for which loss of function is a known mechanism of disease; Not observed at significant frequency in large population cohorts (gnomAD); This variant is associated with the following publications: (PMID: 34495297)

Ambry Genetics
Classification: Likely benign for Cardiovascular phenotype. Last evaluated: 2025-04-09. Review status: criteria provided, single submitter. Criteria: Ambry Variant Classification Scheme 2023. Collection method: clinical testing. Allele origin: germline.

Fulgent Genetics
Classification: Uncertain significance for Timothy syndrome; Brugada syndrome 3; Long QT syndrome 8. Last evaluated: 2021-10-11. Review status: criteria provided, single submitter. Criteria: ACMG Guidelines, 2015. Collection method: clinical testing. Allele origin: unknown.

PreventionGenetics, part of Exact Sciences
Classification: Likely pathogenic for CACNA1C-related condition. Last evaluated: 2024-08-27. Review status: no assertion criteria provided. Collection method: clinical testing. Allele origin: germline. Not counted in ClinVar's aggregate classification.
Comment: The CACNA1C c.15_16delTA variant is predicted to result in a frameshift and premature protein termination (p.Thr6Glufs*35). This variant was reported in an individual with atrial fibrillation (Yoneda et al 2021. PubMed ID: 34495297). This variant is reported in 0.0026% of alleles in individuals of European (Non-Finnish) descent in gnomAD. Frameshift variants in CACNA1C are expected to be pathogenic. This variant is interpreted as likely pathogenic.

Literature cited by the submitters: PubMed 34495297 (cited by Labcorp Genetics (formerly Invitae), Labcorp).

NM_000719.7(CACNA1C):c.15_16del (p.Thr6fs)

Gene: CACNA1C (calcium voltage-gated channel subunit alpha1 C; plus strand). Cytogenetic location: 12p13.33.
Variant type: Deletion.
Coding change: c.15_16del on transcript NM_000719.7 (MANE Select); coding-DNA positions 15 to 16, 2 bases deleted (TA; older notation c.15_16delTA).
Protein change: p.Thr6fs; shifts the reading frame from threonine 6.
Molecular consequence: frameshift variant.
Genome position (GRCh38, 1-based): chr12:2,053,577-2,053,578, TA deleted; deleting any 2 consecutive bases within chr12:2,053,576-2,053,578 gives the same sequence; the c. name uses the placement nearest the transcript's 3' end. VCF-style (leftmost placement, unchanged base first): chr12-2053575-AAT-A. GRCh37 (hg19) VCF-style: chr12-2162741-AAT-A.
Other names: c.15_16del, p.Thr6fs (NM_001129835.2, NM_001129836.2, NM_001129837.2 and 19 more transcripts); c.15_16delTA (NM_000719.6); short protein forms T6fs.
Identifiers: ClinVar variation 190711 (VCV000190711.18), dbSNP rs786205782, ClinGen allele CA301815.